The following is an entry in ClinVar:

ClinVar aggregate classification (germline): Likely benign (0 of 4 stars; one submission).

Conditions:
PRRC2A-related disorder. Also called: PRRC2A-related condition.

Allele frequency attached by ClinVar (database versions not stated): 1000 Genomes Project 0.00180; gnomAD 0.00200; ESP Exome Variant Server 0.00201; TOPMed 0.00201; 1000 Genomes Project 30x 0.00203; gnomAD exomes 0.00269; ExAC 0.00273.
gnomAD v4.1: 4,079 of 1,568,688 alleles (0.26%); highest among the groups gnomAD compares: Middle Eastern, 0.38%; 18 homozygotes.

Submissions (10):

PreventionGenetics, part of Exact Sciences
Classification: Likely benign for PRRC2A-related condition. Last evaluated: 2019-06-05. Review status: no assertion criteria provided. Collection method: clinical testing. Allele origin: germline.
Comment: This variant is classified as likely benign based on ACMG/AMP sequence variant interpretation guidelines (Richards et al. 2015 PMID: 25741868, with internal and published modifications).

Dr. Peter K. Rogan Lab, Western University
No classification provided (evidence only). Condition: Melanoma. Review status: no classification provided. Collection method: in vitro. Allele origin: not applicable. Functional consequence: retained intron. Not counted in ClinVar's aggregate classification.

Dr. Peter K. Rogan Lab, Western University
No classification provided (evidence only). Condition: Melanoma. Review status: no classification provided. Collection method: in vitro. Allele origin: not applicable. Functional consequence: skipped exon. Not counted in ClinVar's aggregate classification.

Dr. Peter K. Rogan Lab, Western University
No classification provided (evidence only). Condition: Acute myeloid leukemia. Review status: no classification provided. Collection method: in vitro. Allele origin: not applicable. Functional consequence: retained intron. Not counted in ClinVar's aggregate classification.

Dr. Peter K. Rogan Lab, Western University
No classification provided (evidence only). Condition: Acute myeloid leukemia. Review status: no classification provided. Collection method: in vitro. Allele origin: not applicable. Functional consequence: retained intron. Not counted in ClinVar's aggregate classification.

Dr. Peter K. Rogan Lab, Western University
No classification provided (evidence only). Condition: Nonpapillary renal cell carcinoma. Review status: no classification provided. Collection method: in vitro. Allele origin: not applicable. Functional consequence: retained intron. Not counted in ClinVar's aggregate classification.

Dr. Peter K. Rogan Lab, Western University
No classification provided (evidence only). Condition: Thymoma. Review status: no classification provided. Collection method: in vitro. Allele origin: not applicable. Functional consequence: skipped exon, retained intron. Not counted in ClinVar's aggregate classification.

Dr. Peter K. Rogan Lab, Western University
No classification provided (evidence only). Condition: Cholangiocarcinoma. Review status: no classification provided. Collection method: in vitro. Allele origin: not applicable. Functional consequence: retained intron. Not counted in ClinVar's aggregate classification.

Dr. Peter K. Rogan Lab, Western University
No classification provided (evidence only). Condition: Ovarian serous cystadenocarcinoma. Review status: no classification provided. Collection method: in vitro. Allele origin: not applicable. Functional consequence: retained intron. Not counted in ClinVar's aggregate classification.

Dr. Peter K. Rogan Lab, Western University
No classification provided (evidence only). Condition: Familial pancreatic carcinoma. Review status: no classification provided. Collection method: in vitro. Allele origin: not applicable. Functional consequence: retained intron. Not counted in ClinVar's aggregate classification.

NM_004638.4(PRRC2A):c.760-10C>G

Gene: PRRC2A (proline rich coiled-coil 2A; plus strand). Cytogenetic location: 6p21.33.
Variant type: single nucleotide variant.
Coding change: c.760-10C>G on transcript NM_004638.4 (MANE Select); 10 bases into the intron before coding-DNA position 760, C replaced by G.
Molecular consequence: intron variant.
Genome position (GRCh38, 1-based): chr6:31,625,782, C>G. VCF-style: chr6-31625782-C-G. GRCh37 (hg19) VCF-style: chr6-31593559-C-G.
Other names: NC_000006.11:g.31593559C>G; c.760-10C>G (NM_080686.3).
Identifiers: ClinVar variation 3042147 (VCV003042147.3), dbSNP rs180704814, ClinGen allele CA3715190.